The following is an entry in ClinVar:

NM_001077418.3(TMEM231):c.356A>G (p.His119Arg)

Gene: TMEM231 (transmembrane protein 231; minus strand). Cytogenetic location: 16q23.1.
Variant type: single nucleotide variant.
Coding change: c.356A>G on transcript NM_001077418.3 (MANE Select); coding-DNA position 356, A replaced by G.
Protein change: p.His119Arg; replaces histidine 119 with arginine.
Molecular consequence: missense variant. On other transcripts: non-coding transcript variant (1).
Genome position (GRCh38, 1-based): chr16:75,545,908, T>C on the plus strand (A>G on the coding strand, the complement: TMEM231 is on the minus strand). VCF-style: chr16-75545908-T-C. GRCh37 (hg19) VCF-style: chr16-75579806-T-C.
Other names: c.515A>G, p.His172Arg (NM_001077416.2); short protein forms H119R, H172R.
Identifiers: ClinVar variation 1389606 (VCV001389606.8), dbSNP rs1255071095, ClinGen allele CA396807085.
Genomic context (GRCh38, chr16:75,545,908, plus strand): 5'-AGGATGAGCTGCACACCGAGAACGTGCTCCGTGGACTGCAGGGGAAGCTCCAGCTTAAAA[T>C]GTAACATGTCCGTCTTCCCATCCTGGTTCCTGTCTTCTTCTCTAGTCTAGGAAACCCAAA-3'
Protein context (NP_001070886.1, residues 109-129): RNQDGKTDML[His119Arg]FKLELPLQST

ClinVar aggregate classification (germline): Uncertain significance (1 of 4 stars; one submission).

Conditions:
Joubert syndrome 20 (JBTS20). Identifiers: Orphanet 475, MedGen C3554235, MONDO:0013994, OMIM 614970.
Meckel syndrome, type 11 (MKS11). Identifiers: Orphanet 564, MedGen C3809352, MONDO:0014164, OMIM 615397.

Allele frequency attached by ClinVar (database versions not stated): gnomAD exomes 0.00001.

Submission:

Labcorp Genetics (formerly Invitae), Labcorp
Classification: Uncertain significance for Joubert syndrome 20; Meckel syndrome, type 11. Last evaluated: 2021-02-20. Review status: criteria provided, single submitter. Criteria: Invitae Variant Classification Sherloc (09022015). Collection method: clinical testing. Allele origin: germline.
Comment: In summary, the available evidence is currently insufficient to determine the role of this variant in disease. Therefore, it has been classified as a Variant of Uncertain Significance. Algorithms developed to predict the effect of missense changes on protein structure and function are either unavailable or do not agree on the potential impact of this missense change (SIFT: "Tolerated"; PolyPhen-2: "Not Available"; Align-GVGD: "Class C0"). This variant has not been reported in the literature in individuals with TMEM231-related conditions. The frequency data for this variant in the population databases is considered unreliable, as metrics indicate insufficient coverage at this position in the ExAC database. This sequence change replaces histidine with arginine at codon 172 of the TMEM231 protein (p.His172Arg). The histidine residue is weakly conserved and there is a small physicochemical difference between histidine and arginine.